The following is an entry in ClinVar:

ClinVar aggregate classification (germline): Likely benign. Review status: criteria provided, single submitter (1 of 4 stars). 2 submissions from 2 submitters: Likely benign (1). 1 of the submissions does not count toward it. Last evaluated 2022-04-12.

Conditions:
Inborn genetic diseases. Identifiers: MedGen C0950123, MeSH D030342.
SMARCC2-related disorder. Also called: SMARCC2-related condition.

Allele frequency attached by ClinVar (database versions not stated): ExAC 0.00004; gnomAD exomes 0.00004; gnomAD 0.00017; TOPMed 0.00019.

Submissions (2):

Ambry Genetics
Classification: Likely benign for Inborn genetic diseases. Last evaluated: 2022-04-12. Review status: criteria provided, single submitter. Criteria: Ambry Variant Classification Scheme 2023. Collection method: clinical testing. Allele origin: germline.

PreventionGenetics, part of Exact Sciences
Classification: Likely benign for SMARCC2-related condition. Last evaluated: 2022-02-25. Review status: no assertion criteria provided. Collection method: clinical testing. Allele origin: germline. Not counted in ClinVar's aggregate classification.
Comment: This variant is classified as likely benign based on ACMG/AMP sequence variant interpretation guidelines (Richards et al. 2015 PMID: 25741868, with internal and published modifications).

NM_001330288.2(SMARCC2):c.3271A>G (p.Met1091Val)

Gene: SMARCC2 (SWI/SNF related BAF chromatin remodeling complex subunit C2; minus strand). Cytogenetic location: 12q13.2.
Variant type: single nucleotide variant.
Coding change: c.3271A>G on transcript NM_001330288.2 (MANE Select); coding-DNA position 3271, A replaced by G.
Protein change: p.Met1091Val; replaces methionine 1091 with valine.
Molecular consequence: missense variant.
Genome position (GRCh38, 1-based): chr12:56,164,693, T>C on the plus strand (A>G on the coding strand, the complement: SMARCC2 is on the minus strand). VCF-style: chr12-56164693-T-C. GRCh37 (hg19) VCF-style: chr12-56558477-T-C.
Other names: c.3271A>G, p.Met1091Val (NM_001130420.3, NM_139067.4); c.3178A>G, p.Met1060Val (NM_003075.5); c.3178A>G (NM_003075.4); short protein forms M1091V, M1060V.
Identifiers: ClinVar variation 2354554 (VCV002354554.4), dbSNP rs747830868, ClinGen allele CA6625588.